The following is an entry in ClinVar:

NM_002900.3(RBP3):c.1298C>T (p.Ser433Leu)

Gene: RBP3 (retinol binding protein 3; plus strand). Cytogenetic location: 10q11.22.
Variant type: single nucleotide variant.
Coding change: c.1298C>T on transcript NM_002900.3 (MANE Select); coding-DNA position 1298, C replaced by T.
Protein change: p.Ser433Leu; replaces serine 433 with leucine.
Molecular consequence: missense variant.
Genome position (GRCh38, 1-based): chr10:47,349,782, C>T. VCF-style: chr10-47349782-C-T. GRCh37 (hg19) VCF-style: chr10-48389580-G-A.
Other names: short protein forms S433L.
Identifiers: ClinVar variation 208304 (VCV000208304.8), dbSNP rs375761633, ClinGen allele CA350943.

ClinVar aggregate classification (germline): Uncertain significance. Review status: criteria provided, multiple submitters, no conflicts (2 of 4 stars). 3 submissions from 3 submitters: Uncertain significance (2). 1 of the submissions does not count toward it. Last evaluated 2024-10-29.

Conditions:
Retinitis pigmentosa 66 (RP66). Identifiers: Orphanet 791, MedGen C3715216, MONDO:0014093, OMIM 615233.

Allele frequency attached by ClinVar (database versions not stated): gnomAD 0.00002 and 0.00003; TOPMed 0.00002; gnomAD exomes 0.00004; ExAC 0.00007; ESP Exome Variant Server 0.00008.
gnomAD v4.1: 59 of 1,613,024 alleles (0.0037%); highest among the groups gnomAD compares: Non-Finnish European, 0.0045%; no homozygotes.

Submissions (3):

Blueprint Genetics
Classification: Uncertain significance. Last evaluated: 2024-10-29. Review status: criteria provided, single submitter. Criteria: ACMG Guidelines, 2015. Collection method: clinical testing. Allele origin: germline.

Labcorp Genetics (formerly Invitae), Labcorp
Classification: Uncertain significance. Last evaluated: 2023-07-07. Review status: criteria provided, single submitter. Criteria: Invitae Variant Classification Sherloc (09022015). Collection method: clinical testing. Allele origin: germline.
Comment: This missense change has been observed in individual(s) with retinitis pigmentosa (PMID: 19074801). In summary, the available evidence is currently insufficient to determine the role of this variant in disease. Therefore, it has been classified as a Variant of Uncertain Significance. An algorithm developed to predict the effect of missense changes on protein structure and function (PolyPhen-2) suggests that this variant is likely to be disruptive. ClinVar contains an entry for this variant (Variation ID: 208304). This variant is present in population databases (rs375761633, gnomAD 0.009%). This sequence change replaces serine, which is neutral and polar, with leucine, which is neutral and non-polar, at codon 433 of the RBP3 protein (p.Ser433Leu).

ClinVar Staff, National Center for Biotechnology Information (NCBI)
Classification: Uncertain significance for Retinitis pigmentosa 66. Last evaluated: 2013-06-27. Review status: no assertion criteria provided. Collection method: literature only. Allele origin: germline. Affected: yes. Not counted in ClinVar's aggregate classification.

Literature cited by the submitters: PubMed 19074801 (cited by Labcorp Genetics (formerly Invitae), Labcorp and ClinVar Staff, National Center for Biotechnology Information (NCBI)).